The following is an entry in ClinVar:

NM_178452.6(DNAAF1):c.1438A>T (p.Lys480Ter)

Gene: DNAAF1 (dynein axonemal assembly factor 1; plus strand). Cytogenetic location: 16q24.1.
Variant type: single nucleotide variant.
Coding change: c.1438A>T on transcript NM_178452.6 (MANE Select); coding-DNA position 1438, A replaced by T.
Protein change: p.Lys480Ter; replaces lysine 480 with a stop codon.
Molecular consequence: nonsense.
Genome position (GRCh38, 1-based): chr16:84,170,266, A>T. VCF-style: chr16-84170266-A-T. GRCh37 (hg19) VCF-style: chr16-84203872-A-T.
Other names: c.730A>T, p.Lys244Ter (NM_001318756.1); short protein forms K244*, K480*.
Identifiers: ClinVar variation 4880156 (VCV004880156.1).

ClinVar aggregate classification (germline): Likely pathogenic (1 of 4 stars; one submission).

Conditions:
Primary ciliary dyskinesia. Also called: Ciliary dyskinesia. Identifiers: Orphanet 244, MedGen C0008780, MONDO:0016575, HP:0012265.

Submission:

Department of Human Genetics, Hannover Medical School
Classification: Likely pathogenic for Primary Ciliary Dyskinesia. Last evaluated: 2026-04-01. Review status: criteria provided, single submitter. Criteria: ACMG Guidelines, 2015. Collection method: research. Allele origin: germline. Affected: no.
Comment: Classification performed by HerediClassify using the following criteria:['PM2_supporting: Variant occures does not occur as homozygous in gnomAD.', 'BP4_protein_moderate: Variant is predicted to be benign by REVEL with evidence strength moderate.', 'PVS1_protein_very_strong: Transcript ENST00000378553 is predicted to undergo NMD.']